The following is an entry in ClinVar:

ClinVar aggregate classification (germline): Uncertain significance. Review status: criteria provided, multiple submitters, no conflicts (2 of 4 stars). 2 submissions from 2 submitters: Uncertain significance (2). Last evaluated 2021-12-07.

Conditions:
Hereditary cancer-predisposing syndrome. Also called: Neoplastic Syndromes, Hereditary; Hereditary Cancer Syndrome; Tumor predisposition; Hereditary neoplastic syndrome. Identifiers: Orphanet 140162, MedGen C0027672, MeSH D009386, MONDO:0015356.

Allele frequency attached by ClinVar (database versions not stated): gnomAD exomes below 0.00001.
gnomAD v4.1: 2 of 1,613,518 alleles (0.00012%); highest among the groups gnomAD compares: Non-Finnish European, 0.000085%; no homozygotes.

Submissions (2):

Ambry Genetics
Classification: Uncertain significance for Hereditary cancer-predisposing syndrome. Last evaluated: 2021-12-07. Review status: criteria provided, single submitter. Criteria: Ambry Variant Classification Scheme 2023. Collection method: clinical testing. Allele origin: germline.
Comment: The p.M816T variant (also known as c.2447T>C), located in coding exon 17 of the CTNNA1 gene, results from a T to C substitution at nucleotide position 2447. The methionine at codon 816 is replaced by threonine, an amino acid with similar properties. This amino acid position is well conserved in available vertebrate species. In addition, this alteration is predicted to be tolerated by in silico analysis. Since supporting evidence is limited at this time, the clinical significance of this alteration remains unclear.

Labcorp Genetics (formerly Invitae), Labcorp
Classification: Uncertain significance. Last evaluated: 2019-07-06. Review status: criteria provided, single submitter. Criteria: Invitae Variant Classification Sherloc (09022015). Collection method: clinical testing. Allele origin: germline.
Comment: In summary, the available evidence is currently insufficient to determine the role of this variant in disease. Therefore, it has been classified as a Variant of Uncertain Significance. Algorithms developed to predict the effect of missense changes on protein structure and function are either unavailable or do not agree on the potential impact of this missense change (SIFT: "Deleterious"; PolyPhen-2: "Benign"; Align-GVGD: "Class C0"). This sequence change replaces methionine with threonine at codon 816 of the CTNNA1 protein (p.Met816Thr). The methionine residue is highly conserved and there is a moderate physicochemical difference between methionine and threonine. This variant is not present in population databases (ExAC no frequency). This variant has not been reported in the literature in individuals with CTNNA1-related conditions.

NM_001903.5(CTNNA1):c.2447T>C (p.Met816Thr)

Gene: CTNNA1 (catenin alpha 1; plus strand). Cytogenetic location: 5q31.2.
Variant type: single nucleotide variant.
Coding change: c.2447T>C on transcript NM_001903.5 (MANE Select); coding-DNA position 2447, T replaced by C.
Protein change: p.Met816Thr; replaces methionine 816 with threonine.
Molecular consequence: missense variant. On other transcripts: intron variant (1).
Genome position (GRCh38, 1-based): chr5:138,933,815, T>C. VCF-style: chr5-138933815-T-C. GRCh37 (hg19) VCF-style: chr5-138269504-T-C.
Other names: c.2518T>C, p.Cys840Arg (NM_001290307.3); c.2138T>C, p.Met713Thr (NM_001290309.3); c.2078T>C, p.Met693Thr (NM_001290310.3); c.1337T>C, p.Met446Thr (NM_001290312.1, NM_001323987.1, NM_001323988.1 and 12 more transcripts); c.2447T>C, p.Met816Thr (NM_001323982.2, NM_001323983.1, NM_001323984.2); c.2354T>C, p.Met785Thr (NM_001323986.2); c.1202T>C, p.Met401Thr (NM_001324001.1); c.1408T>C, p.Cys470Arg (NM_001324002.1, NM_001324003.1, NM_001324004.1 and 1 more transcripts); and 4 more; short protein forms C470R, M333T, M401T, M446T, M693T, C840R, M785T, M713T.
Identifiers: ClinVar variation 945397 (VCV000945397.12), dbSNP rs1765968933, ClinGen allele CA361134963.